The following is an entry in ClinVar:

NM_000179.3(MSH6):c.3239T>A (p.Leu1080Gln)

Gene: MSH6 (mutS homolog 6; plus strand). Cytogenetic location: 2p16.3.
Variant type: single nucleotide variant.
Coding change: c.3239T>A on transcript NM_000179.3 (MANE Select); coding-DNA position 3239, T replaced by A.
Protein change: p.Leu1080Gln; replaces leucine 1080 with glutamine.
Molecular consequence: missense variant. On other transcripts: non-coding transcript variant (5), intron variant (1).
Genome position (GRCh38, 1-based): chr2:47,803,486, T>A. VCF-style: chr2-47803486-T-A. GRCh37 (hg19) VCF-style: chr2-48030625-T-A.
Other names: c.2849T>A, p.Leu950Gln (NM_001281492.2); c.2333T>A, p.Leu778Gln (NM_001281493.2, NM_001406811.1, NM_001406812.1 and 6 more transcripts); c.2942T>A, p.Leu981Gln (NM_001406805.1, NM_001406825.1, NM_001406827.1 and 10 more transcripts); c.2714T>A, p.Leu905Gln (NM_001406806.1, NM_001406807.1, NM_001406799.1); c.3239T>A, p.Leu1080Gln (NM_001406808.1, NM_001406809.1, NM_001406796.1 and 1 more transcripts); c.3245T>A, p.Leu1082Gln (NM_001406813.1); c.3071T>A, p.Leu1024Gln (NM_001406826.1); c.20T>A, p.Leu7Gln (NM_001406831.1); and 7 more; short protein forms L1024Q, L1054Q, L1080Q, L1082Q, L1112Q, L29Q, L395Q, L558Q.
Identifiers: ClinVar variation 4860402 (VCV004860402.1).

ClinVar aggregate classification (germline): Uncertain significance (1 of 4 stars; one submission).

Conditions:
Hereditary cancer-predisposing syndrome. Also called: Neoplastic Syndromes, Hereditary; Tumor predisposition; Hereditary Cancer Syndrome; Hereditary neoplastic syndrome. Identifiers: Orphanet 140162, MedGen C0027672, MeSH D009386, MONDO:0015356.

Submission:

Ambry Genetics
Classification: Uncertain significance for Hereditary cancer-predisposing syndrome. Last evaluated: 2026-04-24. Review status: criteria provided, single submitter. Criteria: Ambry Variant Classification Scheme 2023. Collection method: clinical testing. Allele origin: germline.
Comment: The p.L1080Q variant (also known as c.3239T>A), located in coding exon 5 of the MSH6 gene, results from a T to A substitution at nucleotide position 3239. The leucine at codon 1080 is replaced by glutamine, an amino acid with dissimilar properties. This amino acid position is not well conserved in available vertebrate species. In addition, the in silico prediction for this alteration is inconclusive. Based on the available evidence, the clinical significance of this variant remains unclear.